The following is an entry in ClinVar:

NM_015178.3(RHOBTB2):c.1305G>A (p.Thr435=)

Gene: RHOBTB2 (Rho related BTB domain containing 2; plus strand). Cytogenetic location: 8p21.3.
Variant type: single nucleotide variant.
Coding change: c.1305G>A on transcript NM_015178.3 (MANE Select); coding-DNA position 1305, G replaced by A.
Protein change: p.Thr435=; no amino-acid change (threonine 435 retained).
Molecular consequence: synonymous variant.
Genome position (GRCh38, 1-based): chr8:23,007,550, G>A. VCF-style: chr8-23007550-G-A. GRCh37 (hg19) VCF-style: chr8-22865063-G-A.
Other names: c.1371G>A, p.Thr457= (NM_001160036.2); c.1326G>A, p.Thr442= (NM_001160037.2); c.1305G>A, p.Thr435= (NM_001374791.1); c.1371G>A (NM_001160036.1).
Identifiers: ClinVar variation 2421516 (VCV002421516.8), dbSNP rs902906908, ClinGen allele CA460177952.

ClinVar aggregate classification (germline): Likely benign. Review status: criteria provided, multiple submitters, no conflicts (2 of 4 stars). 2 submissions from 2 submitters: Likely benign (2). Last evaluated 2026-06-17.

Conditions:
RHOBTB2-related disorder. Also called: RHOBTB2-related condition.

gnomAD v4.1: 20 of 1,614,016 alleles (0.0012%); highest among the groups gnomAD compares: Middle Eastern, 0.016%; no homozygotes.

Submissions (2):

PreventionGenetics, part of Exact Sciences
Classification: Likely benign for RHOBTB2-related condition. Last evaluated: 2026-06-17. Review status: criteria provided, single submitter. Criteria: ACMG Guidelines, 2015. Collection method: clinical testing. Allele origin: germline.
Comment: This variant is classified as likely benign based on ACMG/AMP sequence variant interpretation guidelines (Richards et al. 2015 PMID: 25741868, with internal and published modifications).

Labcorp Genetics (formerly Invitae), Labcorp
Classification: Likely benign. Last evaluated: 2024-10-18. Review status: criteria provided, single submitter. Criteria: Invitae Variant Classification Sherloc (09022015). Collection method: clinical testing. Allele origin: germline.